The following is an entry in ClinVar:

ClinVar aggregate classification (germline): Uncertain significance (1 of 4 stars; one submission).

Conditions:
Primary ciliary dyskinesia. Also called: Ciliary dyskinesia. Identifiers: Orphanet 244, MedGen C0008780, MONDO:0016575, HP:0012265.

gnomAD v4.1: 3 of 1,614,182 alleles (0.00019%); highest among the groups gnomAD compares: South Asian, 0.0033%; no homozygotes.

Submission:

Ambry Genetics
Classification: Uncertain significance for Primary ciliary dyskinesia. Last evaluated: 2022-06-14. Review status: criteria provided, single submitter. Criteria: Ambry Variant Classification Scheme 2023. Collection method: clinical testing. Allele origin: germline.
Comment: The p.N1860D variant (also known as c.5578A>G), located in coding exon 34 of the DNAH5 gene, results from an A to G substitution at nucleotide position 5578. The asparagine at codon 1860 is replaced by aspartic acid, an amino acid with highly similar properties. This amino acid position is conserved. In addition, this alteration is predicted to be tolerated by in silico analysis. Since supporting evidence is limited at this time, the clinical significance of this alteration remains unclear.

NM_001369.3(DNAH5):c.5578A>G (p.Asn1860Asp)

Gene: DNAH5 (dynein axonemal heavy chain 5; minus strand). Cytogenetic location: 5p15.2.
Variant type: single nucleotide variant.
Coding change: c.5578A>G on transcript NM_001369.3 (MANE Select); coding-DNA position 5578, A replaced by G.
Protein change: p.Asn1860Asp; replaces asparagine 1860 with aspartic acid.
Molecular consequence: missense variant.
Genome position (GRCh38, 1-based): chr5:13,841,037, T>C on the plus strand (A>G on the coding strand, the complement: DNAH5 is on the minus strand). VCF-style: chr5-13841037-T-C. GRCh37 (hg19) VCF-style: chr5-13841146-T-C.
Other names: short protein forms N1860D.
Identifiers: ClinVar variation 1748397 (VCV001748397.2), dbSNP rs751944938, ClinGen allele CA359209703.